The following is an entry in ClinVar:

NM_002230.4(JUP):c.1348G>A (p.Asp450Asn)

Gene: JUP (junction plakoglobin; minus strand). Cytogenetic location: 17q21.2.
Variant type: single nucleotide variant.
Coding change: c.1348G>A on transcript NM_002230.4 (MANE Select); coding-DNA position 1348, G replaced by A.
Protein change: p.Asp450Asn; replaces aspartic acid 450 with asparagine.
Molecular consequence: missense variant.
Genome position (GRCh38, 1-based): chr17:41,763,132, C>T on the plus strand (G>A on the coding strand, the complement: JUP is on the minus strand). VCF-style: chr17-41763132-C-T. GRCh37 (hg19) VCF-style: chr17-39919384-C-T.
Other names: c.1348G>A, p.Asp450Asn (NM_001352773.2, NM_001352774.2, NM_001352775.2 and 3 more transcripts); short protein forms D450N.
Identifiers: ClinVar variation 2158798 (VCV002158798.5), dbSNP rs782165604, ClinGen allele CA8565229.

ClinVar aggregate classification (germline): Conflicting classifications of pathogenicity. Review status: criteria provided, conflicting classifications (1 of 4 stars). 2 submissions from 2 submitters: Uncertain significance (1); Likely benign (1). Last evaluated 2025-06-06.

Conditions:
Cardiovascular phenotype. Identifiers: MedGen CN230736.
Naxos disease (NXD). Also called: KERATOSIS PALMOPLANTARIS WITH ARRHYTHMOGENIC CARDIOMYOPATHY; MAL DE NAXOS; CARDIOMYOPATHY, ARRHYTHMOGENIC RIGHT VENTRICULAR, WITH SKIN, HAIR, AND NAIL ABNORMALITIES; WOOLLY HAIR, PALMOPLANTAR KERATODERMA, AND CARDIAC ABNORMALITIES; PALMOPLANTAR KERATODERMA WITH ARRHYTHMOGENIC RIGHT VENTRICULAR CARDIOMYOPATHY AND WOOLLY HAIR. Identifiers: Orphanet 34217, MedGen C1832600, MONDO:0011017, OMIM 601214.
Arrhythmogenic right ventricular dysplasia 12. Also called: ARRHYTHMOGENIC RIGHT VENTRICULAR DYSPLASIA, FAMILIAL, 12. Identifiers: MedGen C1969081, MONDO:0012684, OMIM 611528.

Allele frequency attached by ClinVar (database versions not stated): gnomAD exomes below 0.00001; TOPMed below 0.00001; ExAC 0.00001; gnomAD 0.00001.
gnomAD v4.1: 3 of 1,614,086 alleles (0.00019%); highest among the groups gnomAD compares: East Asian, 0.0022%; no homozygotes.

Submissions (2):

Ambry Genetics
Classification: Likely benign for Cardiovascular phenotype. Last evaluated: 2025-06-06. Review status: criteria provided, single submitter. Criteria: Ambry Variant Classification Scheme 2023. Collection method: clinical testing. Allele origin: germline.

Labcorp Genetics (formerly Invitae), Labcorp
Classification: Uncertain significance for Arrhythmogenic right ventricular dysplasia 12; Naxos disease. Last evaluated: 2022-08-13. Review status: criteria provided, single submitter. Criteria: Invitae Variant Classification Sherloc (09022015). Collection method: clinical testing. Allele origin: germline.
Comment: In summary, the available evidence is currently insufficient to determine the role of this variant in disease. Therefore, it has been classified as a Variant of Uncertain Significance. Algorithms developed to predict the effect of missense changes on protein structure and function are either unavailable or do not agree on the potential impact of this missense change (SIFT: "Deleterious"; PolyPhen-2: "Probably Damaging"; Align-GVGD: "Class C0"). This variant has not been reported in the literature in individuals affected with JUP-related conditions. This variant is present in population databases (rs782165604, gnomAD 0.006%). This sequence change replaces aspartic acid, which is acidic and polar, with asparagine, which is neutral and polar, at codon 450 of the JUP protein (p.Asp450Asn).